The following is an entry in ClinVar:

NM_018951.4(HOXA10):c.699G>T (p.Ala233=)

Genes: HOXA10 (homeobox A10; minus strand), HOXA10-HOXA9 (HOXA10-HOXA9 readthrough; minus strand). Cytogenetic location: 7p15.2.
Variant type: single nucleotide variant.
Coding change: c.699G>T on transcript NM_018951.4 (MANE Select); coding-DNA position 699, G replaced by T.
Protein change: p.Ala233=; no amino-acid change (alanine 233 retained).
Molecular consequence: synonymous variant.
Genome position (GRCh38, 1-based): chr7:27,173,608, C>A on the plus strand (G>T on the coding strand, the complement: HOXA10 is on the minus strand). VCF-style: chr7-27173608-C-A. GRCh37 (hg19) VCF-style: chr7-27213227-C-A.
Identifiers: ClinVar variation 3039306 (VCV003039306.2), dbSNP rs34283323, ClinGen allele CA4198084.
Genomic context (GRCh38, chr7:27,173,608, plus strand): 5'-CGGGAGATCGAAACCGCGCCCCGGGGGCTGCGCGGGGAACGGGCCAGCCCCGAGTTGCTG[C>A]GCGCCGCCGCCGCCGCTGCCATAGCCCTTGGCGGTGCCGTAGGCCTGAGAAAGGCGGAAG-3'
Protein context (NP_061824.3, residues 223-243): AKGYGSGGGG[Ala233=]QQLGAGPFPA

ClinVar aggregate classification (germline): Benign (0 of 4 stars; one submission).

Conditions:
HOXA10-related disorder. Also called: HOXA10-related condition.

Allele frequency attached by ClinVar (database versions not stated): 1000 Genomes Project 30x 0.00141; 1000 Genomes Project 0.00160; gnomAD 0.00295; ExAC 0.00076; TOPMed 0.00337.
gnomAD v4.1: 887 of 1,531,886 alleles (0.058%); highest among the groups gnomAD compares: African/African-American, 1%; 4 homozygotes.

Submission:

PreventionGenetics, part of Exact Sciences
Classification: Benign for HOXA10-related condition. Last evaluated: 2020-01-14. Review status: no assertion criteria provided. Collection method: clinical testing. Allele origin: germline.
Comment: This variant is classified as benign based on ACMG/AMP sequence variant interpretation guidelines (Richards et al. 2015 PMID: 25741868, with internal and published modifications).